The following is an entry in ClinVar:

NM_016111.4(TELO2):c.244C>T (p.Arg82Cys)

Gene: TELO2 (telomere maintenance 2; plus strand). Cytogenetic location: 16p13.3.
Variant type: single nucleotide variant.
Coding change: c.244C>T on transcript NM_016111.4 (MANE Select); coding-DNA position 244, C replaced by T.
Protein change: p.Arg82Cys; replaces arginine 82 with cysteine.
Molecular consequence: missense variant.
Genome position (GRCh38, 1-based): chr16:1,494,525, C>T. VCF-style: chr16-1494525-C-T. GRCh37 (hg19) VCF-style: chr16-1544526-C-T.
Other names: c.244C>T (NM_016111.3); c.244C>T, p.Arg82Cys (NM_001351846.2); short protein forms R82C.
Identifiers: ClinVar variation 2186019 (VCV002186019.6), dbSNP rs755556339, ClinGen allele CA7811572.

ClinVar aggregate classification (germline): Uncertain significance. Review status: criteria provided, multiple submitters, no conflicts (2 of 4 stars). 2 submissions from 2 submitters: Uncertain significance (2). Last evaluated 2023-05-08.

Conditions:
Inborn genetic diseases. Identifiers: MedGen C0950123, MeSH D030342.

Allele frequency attached by ClinVar (database versions not stated): gnomAD 0.00001; TOPMed 0.00001; ExAC 0.00002; gnomAD exomes 0.00002.
gnomAD v4.1: 33 of 1,613,182 alleles (0.002%); highest among the groups gnomAD compares: Non-Finnish European, 0.0026%; no homozygotes.

Submissions (2):

Ambry Genetics
Classification: Uncertain significance for Inborn genetic diseases. Last evaluated: 2023-05-08. Review status: criteria provided, single submitter. Criteria: Ambry Variant Classification Scheme 2023. Collection method: clinical testing. Allele origin: germline.

Labcorp Genetics (formerly Invitae), Labcorp
Classification: Uncertain significance. Last evaluated: 2022-04-24. Review status: criteria provided, single submitter. Criteria: Invitae Variant Classification Sherloc (09022015). Collection method: clinical testing. Allele origin: germline.
Comment: This variant has not been reported in the literature in individuals affected with TELO2-related conditions. This sequence change replaces arginine, which is basic and polar, with cysteine, which is neutral and slightly polar, at codon 82 of the TELO2 protein (p.Arg82Cys). This variant is present in population databases (rs755556339, gnomAD 0.004%). Algorithms developed to predict the effect of missense changes on protein structure and function are either unavailable or do not agree on the potential impact of this missense change (SIFT: "Tolerated"; PolyPhen-2: "Possibly Damaging"; Align-GVGD: "Class C0"). In summary, the available evidence is currently insufficient to determine the role of this variant in disease. Therefore, it has been classified as a Variant of Uncertain Significance.